The following is an entry in ClinVar:

NM_004211.5(SLC6A5):c.4-9T>G

Gene: SLC6A5 (solute carrier family 6 member 5; plus strand). Cytogenetic location: 11p15.1.
Variant type: single nucleotide variant.
Coding change: c.4-9T>G on transcript NM_004211.5 (MANE Select); 9 bases into the intron before coding-DNA position 4, T replaced by G.
Molecular consequence: intron variant.
Genome position (GRCh38, 1-based): chr11:20,601,120, T>G. VCF-style: chr11-20601120-T-G. GRCh37 (hg19) VCF-style: chr11-20622666-T-G.
Other names: c.-560-9T>G (NM_001318369.2).
Identifiers: ClinVar variation 1349249 (VCV001349249.5), dbSNP rs534581695, ClinGen allele CA5920973.

ClinVar aggregate classification (germline): Uncertain significance (1 of 4 stars; one submission).

Conditions:
Hyperekplexia 3 (HKPX3). Also called: HYPEREKPLEXIA 3, AUTOSOMAL RECESSIVE; HYPEREKPLEXIA 3, AUTOSOMAL DOMINANT. Identifiers: Orphanet 3197, MedGen C3553288, MONDO:0013827, OMIM 614618.

Allele frequency attached by ClinVar (database versions not stated): gnomAD exomes 0.00003 and 0.00009; ExAC 0.00004; TOPMed 0.00005; gnomAD 0.00006.
gnomAD v4.1: 133 of 1,585,298 alleles (0.0084%); highest among the groups gnomAD compares: Non-Finnish European, 0.011%; no homozygotes.

Submission:

Labcorp Genetics (formerly Invitae), Labcorp
Classification: Uncertain significance for Hyperekplexia 3. Last evaluated: 2021-08-24. Review status: criteria provided, single submitter. Criteria: Invitae Variant Classification Sherloc (09022015). Collection method: clinical testing. Allele origin: germline.
Comment: This sequence change falls in intron 1 of the SLC6A5 gene. It does not directly change the encoded amino acid sequence of the SLC6A5 protein. This variant is present in population databases (rs534581695, ExAC 0.008%). This variant has not been reported in the literature in individuals affected with SLC6A5-related conditions. Algorithms developed to predict the effect of sequence changes on RNA splicing suggest that this variant may disrupt the consensus splice site. In summary, the available evidence is currently insufficient to determine the role of this variant in disease. Therefore, it has been classified as a Variant of Uncertain Significance.